The following is an entry in ClinVar:

ClinVar aggregate classification (germline): Uncertain significance (0 of 4 stars; one submission).

Conditions:
CSPP1-related disorder. Also called: CSPP1-related condition.

gnomAD v4.1: 2 of 1,600,762 alleles (0.00012%); highest among the groups gnomAD compares: Non-Finnish European, 0.00017%; no homozygotes.

Submission:

PreventionGenetics, part of Exact Sciences
Classification: Uncertain significance for CSPP1-related condition. Last evaluated: 2024-08-29. Review status: no assertion criteria provided. Collection method: clinical testing. Allele origin: germline.
Comment: The CSPP1 c.2075A>G variant is predicted to result in the amino acid substitution p.Asn692Ser. To our knowledge, this variant has not been reported in the literature or in a large population database, indicating this variant is rare. At this time, the clinical significance of this variant is uncertain due to the absence of conclusive functional and genetic evidence.

NM_001382391.1(CSPP1):c.2090A>G (p.Asn697Ser)

Gene: CSPP1 (centrosome and spindle pole associated protein 1; plus strand). Cytogenetic location: 8q13.2.
Variant type: single nucleotide variant.
Coding change: c.2090A>G on transcript NM_001382391.1 (MANE Select); coding-DNA position 2090, A replaced by G.
Protein change: p.Asn697Ser; replaces asparagine 697 with serine.
Molecular consequence: missense variant. On other transcripts: intron variant (3).
Genome position (GRCh38, 1-based): chr8:67,149,897, A>G. VCF-style: chr8-67149897-A-G. GRCh37 (hg19) VCF-style: chr8-68062132-A-G.
Other names: c.2009A>G, p.Asn670Ser (NM_001363131.2); c.2156A>G, p.Asn719Ser (NM_001364869.1); c.1976A>G, p.Asn659Ser (NM_001364870.1); c.2075A>G, p.Asn692Ser (NM_024790.7); c.1934-4127A>G (NM_001363132.2); c.1853-4127A>G (NM_001363133.2); c.1079-4127A>G (NM_001291339.2); short protein forms N659S, N670S, N692S, N697S, N719S.
Identifiers: ClinVar variation 3356347 (VCV003356347.1).